The following is an entry in ClinVar:

ClinVar aggregate classification (germline): Uncertain significance (1 of 4 stars; one submission).

Conditions:
ALG6-congenital disorder of glycosylation 1C (CDG1C). Also called: CARBOHYDRATE-DEFICIENT GLYCOPROTEIN SYNDROME, TYPE I, WITH DEFICIENT GLYCOSYLATION OF DOLICHOL-LINKED OLIGOSACCHARIDE; CARBOHYDRATE-DEFICIENT GLYCOPROTEIN SYNDROME, TYPE V; Congenital disorder of glycosylation type 1C; Congenital disorder of glycosylation, type Ic; CDG Ic. Identifiers: Orphanet 79320, MedGen C2930997, MONDO:0011291, OMIM 603147.

Allele frequency attached by ClinVar (database versions not stated): gnomAD exomes below 0.00001.
gnomAD v4.1: 3 of 1,613,820 alleles (0.00019%); highest among the groups gnomAD compares: Non-Finnish European, 0.00025%; no homozygotes.

Submission:

Labcorp Genetics (formerly Invitae), Labcorp
Classification: Uncertain significance for ALG6-congenital disorder of glycosylation 1C. Last evaluated: 2022-07-29. Review status: criteria provided, single submitter. Criteria: Invitae Variant Classification Sherloc (09022015). Collection method: clinical testing. Allele origin: germline.
Comment: This sequence change replaces cysteine, which is neutral and slightly polar, with tyrosine, which is neutral and polar, at codon 183 of the ALG6 protein (p.Cys183Tyr). This variant is not present in population databases (gnomAD no frequency). This variant has not been reported in the literature in individuals affected with ALG6-related conditions. Algorithms developed to predict the effect of missense changes on protein structure and function output the following: SIFT: "Tolerated"; PolyPhen-2: "Benign"; Align-GVGD: "Class C0". The tyrosine amino acid residue is found in multiple mammalian species, which suggests that this missense change does not adversely affect protein function. In summary, the available evidence is currently insufficient to determine the role of this variant in disease. Therefore, it has been classified as a Variant of Uncertain Significance.

NM_013339.4(ALG6):c.548G>A (p.Cys183Tyr)

Gene: ALG6 (ALG6 alpha-1,3-glucosyltransferase; plus strand). Cytogenetic location: 1p31.3.
Variant type: single nucleotide variant.
Coding change: c.548G>A on transcript NM_013339.4 (MANE Select); coding-DNA position 548, G replaced by A.
Protein change: p.Cys183Tyr; replaces cysteine 183 with tyrosine.
Molecular consequence: missense variant.
Genome position (GRCh38, 1-based): chr1:63,411,199, G>A. VCF-style: chr1-63411199-G-A. GRCh37 (hg19) VCF-style: chr1-63876870-G-A.
Other names: short protein forms C183Y.
Identifiers: ClinVar variation 1928550 (VCV001928550.2), dbSNP rs1644514064, ClinGen allele CA340634948.